The following is an entry in ClinVar:

ClinVar aggregate classification (germline): Pathogenic/Likely pathogenic. Review status: criteria provided, multiple submitters, no conflicts (2 of 4 stars). 14 submissions from 14 submitters: Pathogenic (7); Likely pathogenic (2). 5 of the submissions do not count toward it. Last evaluated 2025-11-13.

Conditions:
Inherited breast cancer and ovarian cancer.
Hereditary cancer-predisposing syndrome. Also called: Tumor predisposition; Neoplastic Syndromes, Hereditary; Hereditary Cancer Syndrome; Hereditary neoplastic syndrome. Identifiers: Orphanet 140162, MedGen C0027672, MeSH D009386, MONDO:0015356.
Hereditary breast ovarian cancer syndrome. Also called: Hereditary breast and ovarian cancer syndrome (HBOC); Hereditary breast and ovarian cancer syndrome; Hereditary breast and ovarian cancer; Hereditary breast and/or ovarian cancer syndrome; Breast and ovarian cancer; BRCA1- and BRCA2-Associated Hereditary Breast and Ovarian Cancer. Identifiers: Orphanet 145, MedGen C0677776, MeSH D061325, MONDO:0003582. Disease mechanism: loss of function.
Breast-ovarian cancer, familial, susceptibility to, 1 (BROVCA1). Also called: OVARIAN CANCER, SUSCEPTIBILITY TO; BRCA1 Hereditary Breast and Ovarian Cancer. Identifiers: Orphanet 145, MedGen C2676676, MONDO:0011450, OMIM 604370. Disease mechanism: loss of function.

Submissions 1 to 7 of 14:

Cambridge Genomics Laboratory, East Genomic Laboratory Hub, NHS Genomic Medicine Service
Classification: Pathogenic for Inherited breast cancer and ovarian cancer. Last evaluated: 2025-11-13. Review status: criteria provided, single submitter. Criteria: ACGS Best Practice Guidelines for Variant Classification in Rare Disease 2020. Collection method: clinical testing. Allele origin: germline. Affected: yes.
Comment: PVS1,PS4_Supporting,PM2,PP4_Moderate

Labcorp Genetics (formerly Invitae), Labcorp
Classification: Pathogenic for Hereditary breast ovarian cancer syndrome. Last evaluated: 2025-08-05. Review status: criteria provided, single submitter. Criteria: Invitae Variant Classification Sherloc (09022015). Collection method: clinical testing. Allele origin: germline.
Comment: This sequence change affects codon 1559 of the BRCA1 mRNA. It is a 'silent' change, meaning that it does not change the encoded amino acid sequence of the BRCA1 protein. RNA analysis indicates that this variant induces altered splicing and may result in an absent or altered protein product. This variant is not present in population databases (gnomAD no frequency). This variant has been observed in individual(s) with personal and/or family history of hereditary breast and/or ovarian cancer (PMID: 28975465, 29446198). ClinVar contains an entry for this variant (Variation ID: 37605). An algorithm developed to predict the effect of missense changes on protein structure and function (PolyPhen-2) suggests that this variant is likely to be tolerated. Variants that disrupt the consensus splice site are a relatively common cause of aberrant splicing (PMID: 17576681, 9536098). Studies have shown that this variant results in deletion of the last 11 nucleotides of exon 14 (also known as exon 15), and produces a non-functional protein and/or introduces a premature termination codon (PMID: 28905878; internal data). This variant disrupts the c.4675 nucleotide in the BRCA1 gene. Other variant(s) that disrupt this nucleotide have been determined to be pathogenic (PMID: 23239986, 24333842, 25066507, 31143303). This suggests that this nucleotide is clinically significant, and that variants that disrupt this position are likely to be disease-causing. For these reasons, this variant has been classified as Pathogenic.

Molecular Pathology, Peter Maccallum Cancer Centre
Classification: Likely pathogenic for Breast-ovarian cancer, familial, susceptibility to, 1. Last evaluated: 2025-03-03. Review status: criteria provided, single submitter. Criteria: ACMG Guidelines, 2015. Collection method: clinical testing. Allele origin: germline. Inheritance: Autosomal dominant inheritance.

Ambry Genetics
Classification: Pathogenic for Hereditary cancer-predisposing syndrome. Last evaluated: 2024-10-31. Review status: criteria provided, single submitter. Criteria: Ambry Variant Classification Scheme 2023. Collection method: clinical testing. Allele origin: germline.
Comment: The c.4675G>C variant (also known as p.E1559Q) is located in coding exon 13 of the BRCA1 gene. This variant results from a G to C substitution at nucleotide position 4675. The glutamic acid at codon 1559 is replaced by glutamine, an amino acid with highly similar properties. However, this change occurs in the last base pair of coding exon 13 which makes it likely to have some effect on normal mRNA splicing. In silico splice site analysis predicts that this alteration will weaken the native splice donor site and will result in the creation or strengthening of a novel splice donor site. RNA analysis showed that this alteration induces expression of a transcript lacking 11 nucleotides at the end of coding exon 13 (also called exon 15 in the literature-Ambry internal data; Davy G et al. Eur. J. Hum. Genet., 2017 10;25:1147-1154). Furthermore, a close match alteration at the same nucleotide position, BRCA1 c.4675G>A has been shown in multiple studies to have the same splice defect as this alteration (Wappenschmidt B et al. PLoS ONE, 2012 Dec; Wangensteen T et al. Hered Cancer Clin Pract, 2019 May;17:14; Koczkowska M et al. Cancers (Basel), 2018 Nov;10: ). This alteration was functional in a protein assay (Woods NT et al. NPJ Genom Med, 2016 Mar;1) and is predicted to be tolerated by in silico analysis. This variant is considered to be rare based on population cohorts in the Genome Aggregation Database (gnomAD). Based on the supporting evidence, this alteration is interpreted as a disease-causing mutation.

Quest Diagnostics Nichols Institute San Juan Capistrano
Classification: Pathogenic. Last evaluated: 2023-11-14. Review status: criteria provided, single submitter. Criteria: Quest Diagnostics criteria. Collection method: clinical testing. Allele origin: unknown.
Comment: The BRCA1 c.4675G>C (p.Glu1559Gln) variant disrupts a canonical splice-donor site and is predicted to interfere with normal BRCA1 mRNA splicing. This variant has been reported in the published literature in individuals and families with breast and/or ovarian cancer (PMIDs: 29446198 (2018), 28975465 (2017), 27157322 (2016)). Studies assessing BRCA1 mRNA splicing report the variant causes the skipping of exon 14 by deleting the last 11 nucleotides in the exon. This improper splicing is expected to result in frameshifts in the RNA transcripts and an absent or non-functional protein product (PMIDs: 28905878 (2017), 15235020 (2004)). This variant has not been reported in large, multi-ethnic general populations (Genome Aggregation Database). Based on the available information, this variant is classified as pathogenic.

ARUP Laboratories, Molecular Genetics and Genomics, ARUP Laboratories
Classification: Pathogenic. Last evaluated: 2021-03-24. Review status: criteria provided, single submitter. Criteria: ARUP Molecular Germline Variant Investigation Process 2021. Collection method: clinical testing. Allele origin: germline.
Comment: The BRCA1 c.4675G>C; p.Glu1559Gln variant (rs80356988) is reported in the literature in an individual affected with hereditary breast and ovarian cancer (HBOC) syndrome (Davy 2017). This variant is absent from general population databases (Exome Variant Server, Genome Aggregation Database), indicating it is not a common polymorphism. This variant occurs in the last nucleotide of exon 15, and computational analyses (Alamut v.2.11) predict that this variant may impact splicing by weakening the nearby canonical donor splice site. Consistent with these predictions, mRNA studies demonstrate that the variant leads to aberrant splicing, characterized by skipping of exon 15 or use of a cryptic splice donor 11 nucleotides upstream, both of which lead to frameshifts (Davy 2017). Another variant at the same nucleotide (c.4675G>A) also has been reported in HBOC patients and leads to aberrant splicing (Wangensteen 2019, Wappenschmidt 2012). Based on available information, the c.4675G>C variant is considered to be pathogenic. References: Davy G et al. Detecting splicing patterns in genes involved in hereditary breast and ovarian cancer. Eur J Hum Genet. 2017 Oct;25(10):1147-1154. PMID: 28905878. Wangensteen T et al. Diagnostic mRNA splicing assay for variants in BRCA1 and BRCA2 identified two novel pathogenic splicing aberrations. Hered Cancer Clin Pract. 2019 May 22;17:14. PMID: 31143303. Wappenschmidt B et al. Analysis of 30 putative BRCA1 splicing mutations in hereditary breast and ovarian cancer families identifies exonic splice site mutations that escape in silico prediction. PLoS One. 2012;7(12):e50800. PMID: 23239986.

Color Diagnostics, LLC DBA Color Health
Classification: Likely pathogenic for Hereditary cancer-predisposing syndrome. Last evaluated: 2020-05-01. Review status: criteria provided, single submitter. Criteria: ACMG Guidelines, 2015. Collection method: clinical testing. Allele origin: germline.
Comment: This missense variant replaces glutamic acid with glutamine at codon 1559 of the BRCA1 protein. Computational prediction is inconclusive regarding the impact of this variant on protein structure and function (internally defined REVEL score threshold 0.5 < inconclusive < 0.7, PMID: 27666373). This variant is located in the last nucleotide of exon 14 of the BRCA1 gene and splice site prediction tools suggest that this variant may impact RNA splicing. An RNA study has shown that this variant causes deletion of the last 11 nucleotides of exon 14 (also know as exon 15 in the literature) and skipping of exon 14 in the RNA transcripts (PMID: 28905878). Both aberrant transcripts are expected to result in an absent or non-functional protein product. This variant has been reported in an individual with personal and/or family history of breast and/or ovarian cancer (PMID: 27157322). This variant has not been identified in the general population by the Genome Aggregation Database (gnomAD). Loss of BRCA1 function is a known mechanism of disease. Based on the available evidence, this variant is classified as Likely Pathogenic.

NM_007294.4(BRCA1):c.4675G>C (p.Glu1559Gln)

Gene: BRCA1 (BRCA1 DNA repair associated; minus strand). Cytogenetic location: 17q21.31.
Variant type: single nucleotide variant.
Coding change: c.4675G>C on transcript NM_007294.4 (MANE Select); coding-DNA position 4675, G replaced by C.
Protein change: p.Glu1559Gln; replaces glutamic acid 1559 with glutamine.
Molecular consequence: missense variant. On other transcripts: non-coding transcript variant (1).
Genome position (GRCh38, 1-based): chr17:43,074,331, C>G on the plus strand (G>C on the coding strand, the complement: BRCA1 is on the minus strand). VCF-style: chr17-43074331-C-G. GRCh37 (hg19) VCF-style: chr17-41226348-C-G.
Other names: 4794G>C; c.4549G>C, p.Glu1517Gln (NM_001407679.1, NM_001407680.1, NM_001407863.1 and 11 more transcripts); c.4546G>C, p.Glu1516Gln (NM_001407681.1, NM_001407682.1, NM_001407683.1 and 6 more transcripts); c.4675G>C, p.Glu1559Gln (NM_001407684.1, NM_001407854.1, NM_001407593.1 and 8 more transcripts); c.4543G>C, p.Glu1515Gln (NM_001407690.1, NM_001407691.1); c.4534G>C, p.Glu1512Gln (NM_001407692.1, NM_001407694.1, NM_001407695.1 and 13 more transcripts); c.4531G>C, p.Glu1511Gln (NM_001407732.1, NM_001407733.1, NM_001407734.1 and 21 more transcripts); c.4528G>C, p.Glu1510Gln (NM_001407838.1, NM_001407839.1, NM_001407841.1 and 12 more transcripts); and 70 more; short protein forms E1559Q, E455Q, E1580Q, E1512Q, E1447Q, E1516Q, E1554Q, E1556Q.
Identifiers: ClinVar variation 37605 (VCV000037605.33), dbSNP rs80356988, ClinGen allele CA002964.